The following is an entry in ClinVar:

NM_000233.4(LHCGR):c.517A>T (p.Asn173Tyr)

Genes: LHCGR (luteinizing hormone/choriogonadotropin receptor; minus strand), STON1-GTF2A1L (STON1-GTF2A1L readthrough; plus strand). Cytogenetic location: 2p16.3.
Variant type: single nucleotide variant.
Coding change: c.517A>T on transcript NM_000233.4 (MANE Select); coding-DNA position 517, A replaced by T.
Protein change: p.Asn173Tyr; replaces asparagine 173 with tyrosine.
Molecular consequence: missense variant. On other transcripts: intron variant (1).
Genome position (GRCh38, 1-based): chr2:48,723,475, T>A on the plus strand (A>T on the coding strand, the complement: LHCGR is on the minus strand). VCF-style: chr2-48723475-T-A. GRCh37 (hg19) VCF-style: chr2-48950614-T-A.
Other names: c.3441+51795T>A (NM_001198593.2); short protein forms N173Y.
Identifiers: ClinVar variation 423530 (VCV000423530.2), dbSNP rs1064796475, ClinGen allele CA16617733.

ClinVar aggregate classification (germline): Uncertain significance (1 of 4 stars; one submission).

Allele frequency attached by ClinVar (database versions not stated): gnomAD exomes below 0.00001; TOPMed 0.00002.
gnomAD v4.1: 3 of 1,610,900 alleles (0.00019%); highest among the groups gnomAD compares: African/African-American, 0.004%; no homozygotes.

Submission:

GeneDx
Classification: Uncertain significance. Last evaluated: 2017-02-16. Review status: criteria provided, single submitter. Criteria: GeneDx Variant Classification (06012015). Collection method: clinical testing. Allele origin: germline. Affected: yes.
Comment: The N173Y variant has not been published as a pathogenic variant, nor has it been reported as a benign variant to our knowledge. The N173Y variant is not observed in large population cohorts (Lek et al., 2016; Exome Variant Server). The N173Y variant is a semi-conservative amino acid substitution, which may impact secondary protein structure as these residues differ in some properties. This substitution occurs at a position that is conserved across species and in silico analysis predicts this variant is probably damaging to the protein structure/function. In summary, based on the currently available information, it is unclear whether this variant is a pathogenic variant or a rare benign variant.